The following is an entry in ClinVar:

NM_001042492.3(NF1):c.5306G>T (p.Arg1769Leu)

Gene: NF1 (neurofibromin 1; plus strand). Cytogenetic location: 17q11.2.
Variant type: single nucleotide variant.
Coding change: c.5306G>T on transcript NM_001042492.3 (MANE Select); coding-DNA position 5306, G replaced by T.
Protein change: p.Arg1769Leu; replaces arginine 1769 with leucine.
Molecular consequence: missense variant.
Genome position (GRCh38, 1-based): chr17:31,327,536, G>T. VCF-style: chr17-31327536-G-T. GRCh37 (hg19) VCF-style: chr17-29654554-G-T.
Other names: c.5243G>T, p.Arg1748Leu (NM_000267.4); short protein forms R1748L, R1769L.
Identifiers: ClinVar variation 3378197 (VCV003378197.1).

ClinVar aggregate classification (germline): Uncertain significance (1 of 4 stars; one submission).

Submission:

GeneDx
Classification: Uncertain significance. Last evaluated: 2024-05-10. Review status: criteria provided, single submitter. Criteria: GeneDx Variant Classification Process June 2021. Collection method: clinical testing. Allele origin: germline. Affected: yes.
Comment: Not observed at significant frequency in large population cohorts (gnomAD); In silico analysis supports that this missense variant has a deleterious effect on protein structure/function; Has not been previously published as pathogenic or benign to our knowledge